The following is an entry in ClinVar:

ClinVar aggregate classification (germline): Pathogenic/Likely pathogenic. Review status: criteria provided, multiple submitters, no conflicts (2 of 4 stars). 4 submissions from 4 submitters: Pathogenic (2); Likely pathogenic (2). Last evaluated 2022-10-28.

Conditions:
Hereditary cancer-predisposing syndrome. Also called: Neoplastic Syndromes, Hereditary; Hereditary Cancer Syndrome; Tumor predisposition; Hereditary neoplastic syndrome. Identifiers: Orphanet 140162, MedGen C0027672, MeSH D009386, MONDO:0015356.
Hereditary breast ovarian cancer syndrome. Also called: Hereditary breast and ovarian cancer syndrome; Hereditary breast and ovarian cancer syndrome (HBOC); Hereditary breast and ovarian cancer; Hereditary breast and/or ovarian cancer syndrome; Breast and ovarian cancer; BRCA1- and BRCA2-Associated Hereditary Breast and Ovarian Cancer. Identifiers: Orphanet 145, MedGen C0677776, MeSH D061325, MONDO:0003582. Disease mechanism: loss of function.

Submissions (4):

Labcorp Genetics (formerly Invitae), Labcorp
Classification: Pathogenic for Hereditary breast ovarian cancer syndrome. Last evaluated: 2022-10-28. Review status: criteria provided, single submitter. Criteria: Invitae Variant Classification Sherloc (09022015). Collection method: clinical testing. Allele origin: germline.
Comment: Disruption of this splice site has been observed in individual(s) with a personal or family history of breast and/or ovarian cancer (PMID: 18703817, 31528241). For these reasons, this variant has been classified as Pathogenic. This variant disrupts a region of the BRCA2 protein in which other variant(s) (p.Leu2653Pro) have been determined to be pathogenic (PMID: 17924331, 19043619, 21990134, 22678057, 23108138). This suggests that this is a clinically significant region of the protein, and that variants that disrupt it are likely to be disease-causing. Studies have shown that disruption of this splice site results in skipping of exon 17, but is expected to preserve the integrity of the reading-frame (PMID: 28339459, 31191615). ClinVar contains an entry for this variant (Variation ID: 664938). This variant is not present in population databases (gnomAD no frequency). This sequence change affects a donor splice site in intron 17 of the BRCA2 gene. RNA analysis indicates that disruption of this splice site induces altered splicing and likely results in a shortened protein product.

CeGaT Center for Human Genetics Tuebingen
Classification: Likely pathogenic. Last evaluated: 2022-10-01. Review status: criteria provided, single submitter. Criteria: CeGaT Center For Human Genetics Tuebingen Variant Classification Criteria Version 2. Collection method: clinical testing. Allele origin: germline. Affected: yes. Observed: 2 variant alleles.

Ambry Genetics
Classification: Pathogenic for Hereditary cancer-predisposing syndrome. Last evaluated: 2022-04-19. Review status: criteria provided, single submitter. Criteria: Ambry Variant Classification Scheme 2023. Collection method: clinical testing. Allele origin: germline.
Comment: The c.7976+1G>T intronic pathogenic mutation results from a G to T substitution one nucleotide after coding exon 16 of the BRCA2 gene. Alterations that disrupt the canonical splice site are expected to result in aberrant splicing. In silico splice site analysis predicts that this alteration will weaken the native splice donor site. The resulting transcript is predicted to be in-frame and is not expected to trigger nonsense-mediated mRNAdecay; however, direct evidence is unavailable. The exact functional effect of the altered amino acid sequence is unknown; however, the impacted region is critical for protein function (Ambry internal data). This alteration has been reported with a carrier frequency of 0.00013 in 7,636 unselected prostate cancer patients and absent in 12,366 male controls of Japanese ancestry (Momozawa Y et al. J Natl Cancer Inst, 2020 04;112:369-376). Several other alterations impacting the same donor site (BRCA2 c.7976+1G>A, BRCA2 c.7976+2C>G, BRCA2 c.7976+5G>A, BRCA2 c.7976+5G>T, BRCA2 c.7976G>A) has been shown to have a similar impact on splicing in (Casadei S et al. Proc Natl Acad Sci U S A, 2019 Dec; Wong MS et al. Mol Cell, 2018 09;71:1012-1026.e3; Montalban G et al. Hum Mutat, 2018 09;39:1155-1160; Fraile-Bethencourt E et al. PLoS Genet. 2017 Mar;13(3):e1006691). This variant is considered to be rare based on population cohorts in the Genome Aggregation Database (gnomAD). Based on the supporting evidence, this alteration is interpreted as a disease-causing mutation.

Institute of Medical Genetics and Applied Genomics, University Hospital Tübingen
Classification: Likely pathogenic. Last evaluated: 2020-10-23. Review status: criteria provided, single submitter. Criteria: ACMG Guidelines, 2015. Collection method: clinical testing. Allele origin: germline. Inheritance: Unknown mechanism. Affected: yes.

Literature cited by the submitters: PubMed 18703817 (cited by Labcorp Genetics (formerly Invitae), Labcorp); PubMed 31528241 (cited by Labcorp Genetics (formerly Invitae), Labcorp); PubMed 17924331 (cited by Labcorp Genetics (formerly Invitae), Labcorp); PubMed 19043619 (cited by Labcorp Genetics (formerly Invitae), Labcorp); PubMed 21990134 (cited by Labcorp Genetics (formerly Invitae), Labcorp); PubMed 22678057 (cited by Labcorp Genetics (formerly Invitae), Labcorp); PubMed 23108138 (cited by Labcorp Genetics (formerly Invitae), Labcorp); PubMed 28339459 (cited by Labcorp Genetics (formerly Invitae), Labcorp); PubMed 31191615 (cited by Labcorp Genetics (formerly Invitae), Labcorp); PubMed 31214711 (cited by Ambry Genetics).

NM_000059.4(BRCA2):c.7976+1G>T

Gene: BRCA2 (BRCA2 DNA repair associated; plus strand). Cytogenetic location: 13q13.1.
Variant type: single nucleotide variant.
Coding change: c.7976+1G>T on transcript NM_000059.4 (MANE Select); the canonical splice donor site of the intron after coding-DNA position 7976, G replaced by T.
Molecular consequence: splice donor variant.
Genome position (GRCh38, 1-based): chr13:32,362,694, G>T. VCF-style: chr13-32362694-G-T. GRCh37 (hg19) VCF-style: chr13-32936831-G-T.
Other names: c.7976+1G>T (NM_001406720.1); c.7880+1G>T (NM_001406719.1); c.3044+1G>T (NM_001406721.1); c.1559+1G>T (NM_001406722.1).
Identifiers: ClinVar variation 664938 (VCV000664938.52), dbSNP rs81002873, ClinGen allele CA387747374.